The following is an entry in ClinVar:

NM_000391.4(TPP1):c.-22A>C

Gene: TPP1 (tripeptidyl peptidase 1; minus strand). Cytogenetic location: 11p15.4.
Variant type: single nucleotide variant.
Coding change: c.-22A>C on transcript NM_000391.4 (MANE Select); 22 bases upstream of the start codon, A replaced by C.
Molecular consequence: 5 prime UTR variant.
Genome position (GRCh38, 1-based): chr11:6,619,422, T>G on the plus strand (A>C on the coding strand, the complement: TPP1 is on the minus strand). VCF-style: chr11-6619422-T-G. GRCh37 (hg19) VCF-style: chr11-6640653-T-G.
Identifiers: ClinVar variation 513718 (VCV000513718.1), dbSNP rs767860643, ClinGen allele CA217326036.

ClinVar aggregate classification (germline): Likely benign (1 of 4 stars; one submission).

Allele frequency attached by ClinVar (database versions not stated): TOPMed 0.00002.
gnomAD v4.1: 2 of 1,614,104 alleles (0.00012%); highest among the groups gnomAD compares: African/African-American, 0.0027%; no homozygotes.

Submission:

GeneDx
Classification: Likely benign. Last evaluated: 2017-11-28. Review status: criteria provided, single submitter. Criteria: GeneDx Variant Classification (06012015). Collection method: clinical testing. Allele origin: germline. Affected: yes.
Comment: This variant is considered likely benign or benign based on one or more of the following criteria: it is a conservative change, it occurs at a poorly conserved position in the protein, it is predicted to be benign by multiple in silico algorithms, and/or has population frequency not consistent with disease.